The following is an entry in ClinVar:

NM_058216.3(RAD51C):c.706G>A (p.Val236Ile)

Gene: RAD51C (RAD51 paralog C; plus strand). Cytogenetic location: 17q22.
Variant type: single nucleotide variant.
Coding change: c.706G>A on transcript NM_058216.3 (MANE Select); coding-DNA position 706, G replaced by A.
Protein change: p.Val236Ile; replaces valine 236 with isoleucine.
Molecular consequence: missense variant. On other transcripts: non-coding transcript variant (1).
Genome position (GRCh38, 1-based): chr17:58,709,859, G>A. VCF-style: chr17-58709859-G-A. GRCh37 (hg19) VCF-style: chr17-56787220-G-A.
Other names: short protein forms V236I.
Identifiers: ClinVar variation 4149891 (VCV004149891.1).

ClinVar aggregate classification (germline): Uncertain significance (1 of 4 stars; one submission).

Conditions:
Hereditary cancer-predisposing syndrome. Also called: Hereditary neoplastic syndrome; Neoplastic Syndromes, Hereditary; Tumor predisposition; Hereditary Cancer Syndrome. Identifiers: Orphanet 140162, MedGen C0027672, MeSH D009386, MONDO:0015356.

Submission:

Ambry Genetics
Classification: Uncertain significance for Hereditary cancer-predisposing syndrome. Last evaluated: 2025-07-25. Review status: criteria provided, single submitter. Criteria: Ambry Variant Classification Scheme 2023. Collection method: clinical testing. Allele origin: germline.
Comment: The p.V236I variant (also known as c.706G>A) is located in coding exon 5 of the RAD51C gene. The valine at codon 236 is replaced by isoleucine, an amino acid with highly similar properties. This change occurs in the first base pair of coding exon 5. This amino acid position is conserved. In addition, this alteration is predicted to be tolerated by in silico analysis. Based on the available evidence, the clinical significance of this variant remains unclear.